The following is an entry in ClinVar:

NM_015047.3(EMC1):c.2642G>A (p.Arg881His)

Genes: EMC1-AS1 (EMC1 antisense RNA 1; plus strand), EMC1 (ER membrane protein complex subunit 1; minus strand). Cytogenetic location: 1p36.13.
Variant type: single nucleotide variant.
Coding change: c.2642G>A on transcript NM_015047.3 (MANE Select); coding-DNA position 2642, G replaced by A.
Protein change: p.Arg881His; replaces arginine 881 with histidine.
Molecular consequence: missense variant.
Genome position (GRCh38, 1-based): chr1:19,220,794, C>T on the plus strand (G>A on the coding strand, the complement: EMC1 is on the minus strand). VCF-style: chr1-19220794-C-T. GRCh37 (hg19) VCF-style: chr1-19547288-C-T.
Other names: c.2639G>A, p.Arg880His (NM_001271427.2, NM_001271428.2); c.2576G>A, p.Arg859His (NM_001271429.2); c.2651G>A, p.Arg884His (NM_001375820.1); c.2648G>A, p.Arg883His (NM_001375821.1); short protein forms R881H, R859H, R883H, R880H, R884H.
Identifiers: ClinVar variation 1364102 (VCV001364102.8), dbSNP rs201459490, ClinGen allele CA652202.

ClinVar aggregate classification (germline): Uncertain significance (1 of 4 stars; one submission).

Allele frequency attached by ClinVar (database versions not stated): ExAC 0.00001; gnomAD exomes 0.00001; TOPMed 0.00003; gnomAD 0.00004.
gnomAD v4.1: 17 of 1,612,840 alleles (0.0011%); highest among the groups gnomAD compares: African/African-American, 0.008%; no homozygotes.

Submission:

Labcorp Genetics (formerly Invitae), Labcorp
Classification: Uncertain significance. Last evaluated: 2025-08-10. Review status: criteria provided, single submitter. Criteria: Invitae Variant Classification Sherloc (09022015). Collection method: clinical testing. Allele origin: germline.
Comment: This sequence change replaces arginine, which is basic and polar, with histidine, which is basic and polar, at codon 881 of the EMC1 protein (p.Arg881His). This variant is present in population databases (rs201459490, gnomAD 0.01%). This variant has not been reported in the literature in individuals affected with EMC1-related conditions. ClinVar contains an entry for this variant (Variation ID: 1364102). Invitae Evidence Modeling of protein sequence and biophysical properties (such as structural, functional, and spatial information, amino acid conservation, physicochemical variation, residue mobility, and thermodynamic stability) indicates that this missense variant is expected to disrupt EMC1 protein function with a positive predictive value of 80%. In summary, the available evidence is currently insufficient to determine the role of this variant in disease. Therefore, it has been classified as a Variant of Uncertain Significance.